The following is an entry in ClinVar:

ClinVar aggregate classification (germline): Pathogenic. Review status: criteria provided, multiple submitters, no conflicts (2 of 4 stars). 3 submissions from 3 submitters: Pathogenic (3). Last evaluated 2026-03-01.

Conditions:
Developmental and epileptic encephalopathy, 31A. Also called: Epileptic encephalopathy, early infantile, 31; Developmental and epileptic encephalopathy, 31. Identifiers: Orphanet 2382, MedGen C4225357, MONDO:0014598, OMIM 616346.

Submissions (3):

CeGaT Center for Human Genetics Tuebingen
Classification: Pathogenic. Last evaluated: 2026-03-01. Review status: criteria provided, single submitter. Criteria: CeGaT Center For Human Genetics Tuebingen Variant Classification Criteria Version 2. Collection method: clinical testing. Allele origin: germline. Affected: yes. Observed: 1 variant allele.
Comment: DNM1: PS2, PM1, PM2, PM5, PP2, PP3, PS4:Supporting

GeneDx
Classification: Pathogenic. Last evaluated: 2025-07-25. Review status: criteria provided, single submitter. Criteria: GeneDx Variant Classification Process June 2021. Collection method: clinical testing. Allele origin: germline. Affected: yes.
Comment: Not observed at significant frequency in large population cohorts (gnomAD); In silico analysis supports that this missense variant has a deleterious effect on protein structure/function; This variant is associated with the following publications: (PMID: Wen2021[CaseReport], Motta2023[Review], 28667181)

3billion
Classification: Pathogenic for Developmental and epileptic encephalopathy, 31A. Last evaluated: 2023-10-29. Review status: criteria provided, single submitter. Criteria: ACMG Guidelines, 2015. Collection method: clinical testing. Allele origin: germline. Affected: yes.
Comment: The variant is not observed in the gnomAD v2.1.1 dataset. Predicted Consequence/Location: Missense changes are a common disease-causing mechanism. In silico tool predictions suggest damaging effect of the variant on gene or gene product [REVEL: 0.95 (>=0.6, sensitivity 0.68 and specificity 0.92); 3Cnet: 0.05 (>=0.6, sensitivity 0.72 and precision 0.9)]. Same nucleotide change resulting in same amino acid change has been previously reported to be associated with DNM1-related disorder (PMID: 28667181). The variant has been previously reported as de novo in a similarly affected individual (PMID: 28667181). Different missense changes at the same codon (p.Gly139Arg, p.Gly139Glu) have been reported as pathogenic/likely pathogenic with strong evidence (ClinVar ID: VCV000451091, VCV000588356). Therefore, this variant is classified as Pathogenic according to the recommendation of ACMG/AMP guideline.

Literature cited by the submitters: PubMed 28667181 (cited by 3billion).

NM_004408.4(DNM1):c.416G>T (p.Gly139Val)

Genes: DNM1 (dynamin 1; plus strand), LOC113839516 (Sharpr-MPRA regulatory region 8497; plus strand). Cytogenetic location: 9q34.11.
Variant type: single nucleotide variant.
Coding change: c.416G>T on transcript NM_004408.4 (MANE Select); coding-DNA position 416, G replaced by T.
Protein change: p.Gly139Val; replaces glycine 139 with valine.
Molecular consequence: missense variant.
Genome position (GRCh38, 1-based): chr9:128,219,079, G>T. VCF-style: chr9-128219079-G-T. GRCh37 (hg19) VCF-style: chr9-130981358-G-T.
Other names: c.416G>T (NM_004408.3); c.416G>T, p.Gly139Val (NM_001005336.3, NM_001288737.2, NM_001288738.2 and 2 more transcripts); short protein forms G139V.
Identifiers: ClinVar variation 3775929 (VCV003775929.6).